The following is an entry in ClinVar:

ClinVar aggregate classification (germline): Uncertain significance (1 of 4 stars; one submission).

Conditions:
Long QT syndrome (LQTS). Identifiers: MedGen C0023976, MeSH D008133, MONDO:0002442. Disease mechanism: loss of function. Inheritance: Various modes of inheritance.

Allele frequency attached by ClinVar (database versions not stated): TOPMed below 0.00001; gnomAD 0.00001.
gnomAD v4.1: 21 of 1,343,762 alleles (0.0016%); highest among the groups gnomAD compares: South Asian, 0.0019%; no homozygotes.

Submission:

Labcorp Genetics (formerly Invitae), Labcorp
Classification: Uncertain significance for Long QT syndrome. Last evaluated: 2025-06-14. Review status: criteria provided, single submitter. Criteria: Invitae Variant Classification Sherloc (09022015). Collection method: clinical testing. Allele origin: germline.
Comment: This sequence change replaces threonine, which is neutral and polar, with methionine, which is neutral and non-polar, at codon 270 of the KCNH2 protein (p.Thr270Met). This variant is not present in population databases (gnomAD no frequency). This variant has not been reported in the literature in individuals affected with KCNH2-related conditions. ClinVar contains an entry for this variant (Variation ID: 2076773). An algorithm developed to predict the effect of missense changes on protein structure and function (PolyPhen-2) suggests that this variant is likely to be disruptive. In summary, the available evidence is currently insufficient to determine the role of this variant in disease. Therefore, it has been classified as a Variant of Uncertain Significance.

NM_000238.4(KCNH2):c.809C>T (p.Thr270Met)

Gene: KCNH2 (potassium voltage-gated channel subfamily H member 2; minus strand). Cytogenetic location: 7q36.1.
Variant type: single nucleotide variant.
Coding change: c.809C>T on transcript NM_000238.4 (MANE Select); coding-DNA position 809, C replaced by T.
Protein change: p.Thr270Met; replaces threonine 270 with methionine.
Molecular consequence: missense variant.
Genome position (GRCh38, 1-based): chr7:150,958,166, G>A on the plus strand (C>T on the coding strand, the complement: KCNH2 is on the minus strand). VCF-style: chr7-150958166-G-A. GRCh37 (hg19) VCF-style: chr7-150655254-G-A.
Other names: c.521C>T, p.Thr174Met (NM_001406753.1, NM_001406756.1); c.632C>T, p.Thr211Met (NM_001406755.1); c.509C>T, p.Thr170Met (NM_001406757.1); c.809C>T, p.Thr270Met (NM_172056.3); short protein forms T174M, T270M, T170M, T211M.
Identifiers: ClinVar variation 2076773 (VCV002076773.4), dbSNP rs1479831528, ClinGen allele CA369862404.
Genomic context (GRCh38, chr7:150,958,166, plus strand): 5'-GCCTCGATGTCGTCGGCCGACGAGGCGCGGCGCACGCTGGCGCAGCTTTCTCGGGAGCGC[G>A]TCCGGGCCAGGCTGCAGCTGGAGCCCGAGGCGTCGGGGTTGAGGCTGTGCGCCCGGGGCG-3'
Protein context (NP_000229.1, residues 260-280): ASGSSCSLAR[Thr270Met]RSRESCASVR